The following is an entry in ClinVar:

ClinVar aggregate classification (germline): Benign. Review status: criteria provided, multiple submitters, no conflicts (2 of 4 stars). 12 submissions from 11 submitters: Benign (10). 2 of the submissions do not count toward it. Last evaluated 2026-01-14.

Conditions:
Hereditary spastic paraplegia 3A (SPG3A). Also called: SPASTIC PARAPLEGIA 3, AUTOSOMAL DOMINANT; FAMILIAL SPASTIC PARAPLEGIA, AUTOSOMAL DOMINANT, 1; SPG3; STRUMPELL DISEASE; Spastic Paraplegia 3A; Spastic paraplegia 3A, autosomal dominant. Identifiers: Orphanet 100984, MedGen C2931355, MONDO:0008437, OMIM 182600.
Hereditary spastic paraplegia. Also called: Familial spastic paraparesis. Identifiers: Orphanet 685, MedGen C0037773, MONDO:0019064. Disease mechanism: loss of function.
Neuropathy, hereditary sensory, type 1D. Identifiers: Orphanet 36386, MedGen C3150972, MONDO:0013381, OMIM 613708.

Allele frequency attached by ClinVar (database versions not stated): gnomAD exomes 0.00215 and 0.00609; ExAC 0.00755; gnomAD 0.02278 and 0.02457; TOPMed 0.02628; 1000 Genomes Project 0.02835; ESP Exome Variant Server 0.02876; 1000 Genomes Project 30x 0.03061.
gnomAD v4.1: 6,752 of 1,612,768 alleles (0.42%); highest among the groups gnomAD compares: African/African-American, 7.8%; 226 homozygotes.

Submissions (12):

Labcorp Genetics (formerly Invitae), Labcorp
Classification: Benign for Hereditary spastic paraplegia 3A. Last evaluated: 2026-01-14. Review status: criteria provided, single submitter. Criteria: Invitae Variant Classification Sherloc (09022015). Collection method: clinical testing. Allele origin: germline.

Athena Diagnostics
Classification: Benign. Last evaluated: 2024-10-31. Review status: criteria provided, single submitter. Criteria: Athena Diagnostics Criteria. Collection method: clinical testing. Allele origin: unknown.

ARUP Laboratories, Molecular Genetics and Genomics, ARUP Laboratories
Classification: Benign. Last evaluated: 2024-10-15. Review status: criteria provided, single submitter. Criteria: ARUP Molecular Germline Variant Investigation Process 2024. Collection method: clinical testing. Allele origin: germline.

Genome-Nilou Lab
Classification: Benign for Neuropathy, hereditary sensory, type 1D. Last evaluated: 2021-12-05. Review status: criteria provided, single submitter. Criteria: ACMG Guidelines, 2015. Collection method: clinical testing. Allele origin: germline. Affected: no.

Genome-Nilou Lab
Classification: Benign for Hereditary spastic paraplegia 3A. Last evaluated: 2021-12-05. Review status: criteria provided, single submitter. Criteria: ACMG Guidelines, 2015. Collection method: clinical testing. Allele origin: germline. Affected: no.

Genome Diagnostics Laboratory, The Hospital for Sick Children
Classification: Benign for Hereditary spastic paraplegia. Last evaluated: 2020-04-01. Review status: criteria provided, single submitter. Criteria: ACMG Guidelines, 2015. Collection method: clinical testing. Allele origin: germline. Affected: yes.

Illumina Laboratory Services, Illumina
Classification: Benign for Hereditary spastic paraplegia 3A. Last evaluated: 2018-01-12. Review status: criteria provided, single submitter. Criteria: ICSL Variant Classification Criteria 13 December 2019. Collection method: clinical testing. Allele origin: germline.
Comment: This variant was observed in the ICSL laboratory as part of a predisposition screen in an ostensibly healthy population. It had not been previously curated by ICSL or reported in the Human Gene Mutation Database (HGMD: prior to June 1st, 2018), and was therefore a candidate for classification through an automated scoring system. Utilizing variant allele frequency, disease prevalence and penetrance estimates, and inheritance mode, an automated score was calculated to assess if this variant is too frequent to cause the disease. Based on the score and internal cut-off values, a variant classified as benign is not then subjected to further curation. The score for this variant resulted in a classification of benign for this disease.

Mayo Clinic Laboratories, Mayo Clinic
Classification: Benign. Last evaluated: 2016-03-07. Review status: criteria provided, single submitter. Criteria: ACMG Guidelines, 2015. Collection method: clinical testing. Allele origin: germline. Observed: 16 variant alleles.

GeneDx
Classification: Benign. Last evaluated: 2015-10-27. Review status: criteria provided, single submitter. Criteria: GeneDx Variant Classification (06012015). Collection method: clinical testing. Allele origin: germline. Affected: yes.
Comment: This variant is considered likely benign or benign based on one or more of the following criteria: it is a conservative change, it occurs at a poorly conserved position in the protein, it is predicted to be benign by multiple in silico algorithms, and/or has population frequency not consistent with disease.

Breakthrough Genomics
Classification: Benign. Review status: criteria provided, single submitter. Criteria: ACMG Guidelines, 2015. Collection method: not provided. Allele origin: germline. Inheritance: Autosomal dominant inheritance. Affected: yes.

Clinical Genetics, Academic Medical Center
Classification: Benign. Review status: no assertion criteria provided. Collection method: clinical testing. Allele origin: germline. Affected: yes. Study: VKGL Data-share Consensus. Not counted in ClinVar's aggregate classification.

Joint Genome Diagnostic Labs from Nijmegen and Maastricht, Radboudumc and MUMC+
Classification: Benign. Review status: no assertion criteria provided. Collection method: clinical testing. Allele origin: germline. Affected: yes. Study: VKGL Data-share Consensus. Not counted in ClinVar's aggregate classification.

NM_015915.5(ATL1):c.705C>T (p.Phe235=)

Gene: ATL1 (atlastin GTPase 1; plus strand). Cytogenetic location: 14q22.1.
Variant type: single nucleotide variant.
Coding change: c.705C>T on transcript NM_015915.5 (MANE Select); coding-DNA position 705, C replaced by T.
Protein change: p.Phe235=; no amino-acid change (phenylalanine 235 retained).
Molecular consequence: synonymous variant.
Genome position (GRCh38, 1-based): chr14:50,613,333, C>T. VCF-style: chr14-50613333-C-T. GRCh37 (hg19) VCF-style: chr14-51080051-C-T.
Other names: p.Phe235=; c.705C>T, p.Phe235= (NM_001127713.1, NM_181598.4).
Identifiers: ClinVar variation 313300 (VCV000313300.70), dbSNP rs35044504, ClinGen allele CA7180322.
Genomic context (GRCh38, chr14:50,613,333, plus strand): 5'-TGTTCGAGACTGGAGTTTCCCATACGAATTTTCATATGGAGCCGATGGTGGTGCCAAATT[C>T]TTGGAAAAACGCCTCAAGGTTTGTTAGATATTTAGGTGCATGAAATTTCACTAATAATCT-3'
Protein context (NP_056999.2, residues 225-245): FSYGADGGAK[Phe235=]LEKRLKVSGN